The following is an entry in ClinVar:

NM_000080.4(CHRNE):c.1053_1068dup (p.Pro357fs)

Genes: CHRNE (cholinergic receptor nicotinic epsilon subunit; minus strand), LOC130060041 (ATAC-STARR-seq lymphoblastoid silent region 8050; plus strand). Cytogenetic location: 17p13.2.
Variant type: Duplication.
Coding change: c.1053_1068dup on transcript NM_000080.4 (MANE Select); coding-DNA positions 1053 to 1068, 16 bases duplicated (GCGCCTCCTGGGCTCC).
Protein change: p.Pro357fs; shifts the reading frame from proline 357.
Molecular consequence: frameshift variant.
Genome position (GRCh38, 1-based): chr17:4,899,349-4,899,364, GGAGCCCAGGAGGCGC duplicated on the plus strand (GCGCCTCCTGGGCTCC on the coding strand, the reverse complement: CHRNE is on the minus strand); duplicating any 16 consecutive bases within chr17:4,899,349-4,899,366 gives the same sequence; the c. name uses the placement nearest the transcript's 3' end. VCF-style (leftmost placement, unchanged base first): chr17-4899348-G-GGGAGCCCAGGAGGCGC. GRCh37 (hg19) VCF-style: chr17-4802643-G-GGGAGCCCAGGAGGCGC.
Other names: short protein forms P357fs.
Identifiers: ClinVar variation 4816810 (VCV004816810.1).
Genomic context (GRCh38, chr17:4,899,348, plus strand): 5'-AGCCCACCGACGACGCCCGCCTTGGGGGCGAGGCGGCCCGGGGGGCCTCGGGCGGCGGCG[G>GGGAGCCCAGGAGGCGC]GGAGCCCAGGAGGCGCGGCAGCAGCTCCAGGAGAACCTGGGGCAGGGGCGGGGCTTAGGG-3'

ClinVar aggregate classification (germline): Likely pathogenic (1 of 4 stars; one submission).

Conditions:
Congenital myasthenic syndrome (CMS). Also called: Congenital Myasthenic Syndromes. Identifiers: Orphanet 590, MedGen C0751882, MeSH D020294, MONDO:0018940.

Submission:

Natera, Inc.
Classification: Likely pathogenic for Congenital myasthenic syndrome. Last evaluated: 2024-06-04. Review status: criteria provided, single submitter. Criteria: Natera Variant Classification Schema (03/2026). Collection method: clinical testing. Allele origin: germline.
Comment: The c.1053_1068dup variant in CHRNE is a frameshift variant predicted to shift the reading frame beginning at codon 357 and leads to a stop codon 45 codons downstream. This variant is expected to result in nonsense mediated decay, truncation, or a dysfunctional protein product. This variant is rare in the general population with a frequency below the threshold expected for the associated phenotype(s). Given the available evidence, this variant is classified as Likely Pathogenic.